The following is an entry in ClinVar:

ClinVar aggregate classification (germline): Uncertain significance (1 of 4 stars; one submission).

Allele frequency attached by ClinVar (database versions not stated): TOPMed below 0.00001; gnomAD exomes 0.00001 and 0.00002; ExAC 0.00004.
gnomAD v4.1: 19 of 1,613,958 alleles (0.0012%); highest among the groups gnomAD compares: Admixed American, 0.005%; no homozygotes.

Submission:

Labcorp Genetics (formerly Invitae), Labcorp
Classification: Uncertain significance. Last evaluated: 2023-07-17. Review status: criteria provided, single submitter. Criteria: Invitae Variant Classification Sherloc (09022015). Collection method: clinical testing. Allele origin: germline.
Comment: In summary, the available evidence is currently insufficient to determine the role of this variant in disease. Therefore, it has been classified as a Variant of Uncertain Significance. An algorithm developed to predict the effect of missense changes on protein structure and function (PolyPhen-2) suggests that this variant is likely to be disruptive. ClinVar contains an entry for this variant (Variation ID: 1507393). This variant has not been reported in the literature in individuals affected with RNF216-related conditions. This variant is present in population databases (rs752929444, gnomAD 0.01%). This sequence change replaces tyrosine, which is neutral and polar, with cysteine, which is neutral and slightly polar, at codon 523 of the RNF216 protein (p.Tyr523Cys).

NM_207111.4(RNF216):c.1568A>G (p.Tyr523Cys)

Gene: RNF216 (ring finger protein 216; minus strand). Cytogenetic location: 7p22.1.
Variant type: single nucleotide variant.
Coding change: c.1568A>G on transcript NM_207111.4 (MANE Select); coding-DNA position 1568, A replaced by G.
Protein change: p.Tyr523Cys; replaces tyrosine 523 with cysteine.
Molecular consequence: missense variant.
Genome position (GRCh38, 1-based): chr7:5,721,109, T>C on the plus strand (A>G on the coding strand, the complement: RNF216 is on the minus strand). VCF-style: chr7-5721109-T-C. GRCh37 (hg19) VCF-style: chr7-5760740-T-C.
Other names: c.1397A>G, p.Tyr466Cys (NM_001377156.1, NM_207116.3); short protein forms Y466C, Y523C.
Identifiers: ClinVar variation 1507393 (VCV001507393.6), dbSNP rs752929444, ClinGen allele CA4148140.
Genomic context (GRCh38, chr7:5,721,109, plus strand): 5'-ATTTTCTGCTCATAGAACTCCTGCTCTTGTTGCACAGCTGGAAGGAGAGCACGTCGGTCA[T>C]AGGACCTACAATGTCGTCGCTTATTTTCAAGAAAGAACATCCTCTTTTCTATTTTTATGT-3'
Protein context (NP_996994.1, residues 513-533): LENKRRHCRS[Tyr523Cys]DRRALLPAVQ